The following is an entry in ClinVar:

ClinVar aggregate classification (germline): Uncertain significance (1 of 4 stars; one submission).

Submission:

GeneDx
Classification: Uncertain significance. Last evaluated: 2025-04-07. Review status: criteria provided, single submitter. Criteria: GeneDx Variant Classification Process June 2021. Collection method: clinical testing. Allele origin: germline. Affected: yes.
Comment: Not observed at significant frequency in large population cohorts (gnomAD); In silico analysis indicates that this missense variant does not alter protein structure/function; Has not been previously published as pathogenic or benign to our knowledge

NM_014225.6(PPP2R1A):c.550G>T (p.Ala184Ser)

Gene: PPP2R1A (protein phosphatase 2 scaffold subunit Aalpha; plus strand). Cytogenetic location: 19q13.41.
Variant type: single nucleotide variant.
Coding change: c.550G>T on transcript NM_014225.6 (MANE Select); coding-DNA position 550, G replaced by T.
Protein change: p.Ala184Ser; replaces alanine 184 with serine.
Molecular consequence: missense variant. On other transcripts: non-coding transcript variant (1).
Genome position (GRCh38, 1-based): chr19:52,212,732, G>T. VCF-style: chr19-52212732-G-T. GRCh37 (hg19) VCF-style: chr19-52715985-G-T.
Other names: c.13G>T, p.Ala5Ser (NM_001363656.2); short protein forms A184S, A5S.
Identifiers: ClinVar variation 4281942 (VCV004281942.1).